The following is an entry in ClinVar:

NM_002336.3(LRP6):c.1321A>T (p.Ile441Phe)

Gene: LRP6 (LDL receptor related protein 6; minus strand). Cytogenetic location: 12p13.2.
Variant type: single nucleotide variant.
Coding change: c.1321A>T on transcript NM_002336.3 (MANE Select); coding-DNA position 1321, A replaced by T.
Protein change: p.Ile441Phe; replaces isoleucine 441 with phenylalanine.
Molecular consequence: missense variant. On other transcripts: non-coding transcript variant (1).
Genome position (GRCh38, 1-based): chr12:12,181,095, T>A on the plus strand (A>T on the coding strand, the complement: LRP6 is on the minus strand). VCF-style: chr12-12181095-T-A. GRCh37 (hg19) VCF-style: chr12-12334029-T-A.
Other names: c.1321A>T, p.Ile441Phe (NM_001414244.1, NM_001414245.1, NM_001414246.1 and 5 more transcripts); c.1123A>T, p.Ile375Phe (NM_001414247.1); c.868A>T, p.Ile290Phe (NM_001414252.1, NM_001414253.1, NM_001414254.1); short protein forms I290F, I375F, I441F.
Identifiers: ClinVar variation 4699188 (VCV004699188.1).

ClinVar aggregate classification (germline): Uncertain significance (1 of 4 stars; one submission).

gnomAD v4.1: 33 of 1,613,996 alleles (0.002%); highest among the groups gnomAD compares: Non-Finnish European, 0.0026%; no homozygotes.

Submission:

Labcorp Genetics (formerly Invitae), Labcorp
Classification: Uncertain significance. Last evaluated: 2025-03-27. Review status: criteria provided, single submitter. Criteria: Invitae Variant Classification Sherloc (09022015). Collection method: clinical testing. Allele origin: germline.
Comment: This sequence change replaces isoleucine, which is neutral and non-polar, with phenylalanine, which is neutral and non-polar, at codon 441 of the LRP6 protein (p.Ile441Phe). This variant is present in population databases (rs774633281, gnomAD 0.004%). This variant has not been reported in the literature in individuals affected with LRP6-related conditions. Invitae Evidence Modeling of protein sequence and biophysical properties (such as structural, functional, and spatial information, amino acid conservation, physicochemical variation, residue mobility, and thermodynamic stability) indicates that this missense variant is not expected to disrupt LRP6 protein function with a negative predictive value of 80%. In summary, the available evidence is currently insufficient to determine the role of this variant in disease. Therefore, it has been classified as a Variant of Uncertain Significance.